The following is an entry in ClinVar:

NC_000007.13:g.(?_152132691)_(152373164_?)dup

Genes: KMT2C (lysine methyltransferase 2C; minus strand), XRCC2 (X-ray repair cross complementing 2; minus strand). Cytogenetic location: 7q36.1.
Variant type: Duplication.
Identifiers: ClinVar variation 2427460 (VCV002427460.3).

ClinVar aggregate classification (germline): Uncertain significance (1 of 4 stars; one submission).

Submission:

Labcorp Genetics (formerly Invitae), Labcorp
Classification: Uncertain significance. Last evaluated: 2022-07-26. Review status: criteria provided, single submitter. Criteria: Invitae Variant Classification Sherloc (09022015). Collection method: clinical testing. Allele origin: germline.
Comment: This variant results in a copy number gain of the genomic region encompassing exon(s) 1 of the KMT2C gene. This region includes the initiator codon of the gene. This copy number gain extends beyond the assayed region for this gene and therefore may encompass additional genes. As the precise location of this event is unknown, it may be in tandem or it may be located elsewhere in the genome. This variant has not been reported in the literature in individuals affected with KMT2C-related conditions. Experimental studies and prediction algorithms are not available or were not evaluated, and the functional significance of this variant is currently unknown. In summary, the available evidence is currently insufficient to determine the role of this variant in disease. Therefore, it has been classified as a Variant of Uncertain Significance.